The following is an entry in ClinVar:

ClinVar aggregate classification (germline): Uncertain significance (1 of 4 stars; one submission).

Conditions:
Neuronal ceroid lipofuscinosis 13 (CLN13). Also called: CEROID LIPOFUSCINOSIS, NEURONAL, 13 (KUFS TYPE); CLN13 Disease. Identifiers: Orphanet 352709, Orphanet 79262, MedGen C3715049, MONDO:0014147, OMIM 615362.

Submission:

Labcorp Genetics (formerly Invitae), Labcorp
Classification: Uncertain significance for Neuronal ceroid lipofuscinosis 13. Last evaluated: 2025-10-08. Review status: criteria provided, single submitter. Criteria: Invitae Variant Classification Sherloc (09022015). Collection method: clinical testing. Allele origin: germline.
Comment: This sequence change replaces alanine, which is neutral and non-polar, with valine, which is neutral and non-polar, at codon 72 of the CTSF protein (p.Ala72Val). This variant is not present in population databases (gnomAD no frequency). This variant has not been reported in the literature in individuals affected with CTSF-related conditions. An algorithm developed to predict the effect of missense changes on protein structure and function (PolyPhen-2) suggests that this variant is likely to be tolerated. In summary, the available evidence is currently insufficient to determine the role of this variant in disease. Therefore, it has been classified as a Variant of Uncertain Significance.

NM_003793.4(CTSF):c.215C>T (p.Ala72Val)

Gene: CTSF (cathepsin F; minus strand). Cytogenetic location: 11q13.2.
Variant type: single nucleotide variant.
Coding change: c.215C>T on transcript NM_003793.4 (MANE Select); coding-DNA position 215, C replaced by T.
Protein change: p.Ala72Val; replaces alanine 72 with valine.
Molecular consequence: missense variant.
Genome position (GRCh38, 1-based): chr11:66,568,081, G>A on the plus strand (C>T on the coding strand, the complement: CTSF is on the minus strand). VCF-style: chr11-66568081-G-A. GRCh37 (hg19) VCF-style: chr11-66335552-G-A.
Other names: short protein forms A72V.
Identifiers: ClinVar variation 4705617 (VCV004705617.1).